The following is an entry in ClinVar:

ClinVar aggregate classification (germline): Uncertain significance (1 of 4 stars; one submission).

gnomAD v4.1: 2 of 1,602,722 alleles (0.00012%); highest among the groups gnomAD compares: Non-Finnish European, 0.00017%; no homozygotes.

Submission:

Labcorp Genetics (formerly Invitae), Labcorp
Classification: Uncertain significance. Last evaluated: 2025-03-13. Review status: criteria provided, single submitter. Criteria: Invitae Variant Classification Sherloc (09022015). Collection method: clinical testing. Allele origin: germline.
Comment: This sequence change replaces alanine, which is neutral and non-polar, with glutamic acid, which is acidic and polar, at codon 853 of the SPTBN2 protein (p.Ala853Glu). The frequency data for this variant in the population databases is considered unreliable, as metrics indicate poor data quality at this position in the gnomAD database. This variant has not been reported in the literature in individuals affected with SPTBN2-related conditions. Invitae Evidence Modeling of protein sequence and biophysical properties (such as structural, functional, and spatial information, amino acid conservation, physicochemical variation, residue mobility, and thermodynamic stability) has been performed for this missense variant. However, the output from this modeling did not meet the statistical confidence thresholds required to predict the impact of this variant on SPTBN2 protein function. In summary, the available evidence is currently insufficient to determine the role of this variant in disease. Therefore, it has been classified as a Variant of Uncertain Significance.

NM_006946.4(SPTBN2):c.2558C>A (p.Ala853Glu)

Gene: SPTBN2 (spectrin beta, non-erythrocytic 2; minus strand). Cytogenetic location: 11q13.2.
Variant type: single nucleotide variant.
Coding change: c.2558C>A on transcript NM_006946.4 (MANE Select); coding-DNA position 2558, C replaced by A.
Protein change: p.Ala853Glu; replaces alanine 853 with glutamic acid.
Molecular consequence: missense variant.
Genome position (GRCh38, 1-based): chr11:66,704,718, G>T on the plus strand (C>A on the coding strand, the complement: SPTBN2 is on the minus strand). VCF-style: chr11-66704718-G-T. GRCh37 (hg19) VCF-style: chr11-66472189-G-T.
Other names: c.2579C>A, p.Ala860Glu (NM_001411025.1); c.2558C>A, p.Ala853Glu (NM_001437541.1); short protein forms A853E, A860E.
Identifiers: ClinVar variation 4752050 (VCV004752050.1).
Genomic context (GRCh38, chr11:66,704,718, plus strand): 5'-TGCTCCTTCTCCTCCACCCAGAGTCCACAGGCCCCGGCCTCGCTGAGCATGGTGTAGAGC[G>T]CCAGGGCTGCCTCCAAGGCCCGCGCTCGCTCGCCTGCCCGGGCCTGCAGCTCCTCGTAGT-3'
Protein context (NP_008877.2, residues 843-863): ERARALEAAL[Ala853Glu]LYTMLSEAGA